The following is an entry in ClinVar:

ClinVar aggregate classification (germline): Uncertain significance (1 of 4 stars; one submission).

Conditions:
Familial melanoma. Also called: Hereditary melanoma; Hereditary cutaneous melanoma. Identifiers: Orphanet 618, MedGen C1512419, MONDO:0018961.

Submission:

Labcorp Genetics (formerly Invitae), Labcorp
Classification: Uncertain significance for Familial melanoma. Last evaluated: 2022-05-31. Review status: criteria provided, single submitter. Criteria: Invitae Variant Classification Sherloc (09022015). Collection method: clinical testing. Allele origin: germline.
Comment: In summary, the available evidence is currently insufficient to determine the role of this variant in disease. Therefore, it has been classified as a Variant of Uncertain Significance. This variant has not been reported in the literature in individuals affected with CDK4-related conditions. This variant is not present in population databases (gnomAD no frequency). This sequence change creates a premature translational stop signal (p.Phe227*) in the CDK4 gene. It is expected to result in an absent or disrupted protein product. However, the current clinical and genetic evidence is not sufficient to establish whether loss-of-function variants in CDK4 cause disease.

NM_000075.4(CDK4):c.680_681del (p.Ile226_Phe227insTer)

Genes: TSPAN31 (tetraspanin 31; plus strand), CDK4 (cyclin dependent kinase 4; minus strand). Cytogenetic location: 12q14.1.
Variant type: Deletion.
Coding change: c.680_681del on transcript NM_000075.4 (MANE Select); coding-DNA positions 680 to 681, 2 bases deleted (TT; older notation c.680_681delTT).
Protein change: p.Ile226_Phe227insTer.
Molecular consequence: nonsense. On other transcripts: 3 prime UTR variant (3).
Genome position (GRCh38, 1-based): chr12:57,749,456-57,749,457, AA deleted on the plus strand (TT on the coding strand, the reverse complement: CDK4 is on the minus strand); deleting any 2 consecutive bases within chr12:57,749,456-57,749,458 gives the same sequence; the c. name uses the placement nearest the transcript's 3' end. VCF-style (leftmost placement, unchanged base first): chr12-57749455-CAA-C. GRCh37 (hg19) VCF-style: chr12-58143238-CAA-C.
Other names: c.*2167_*2168del (NM_001330168.2, NM_001330169.2, NM_005981.5).
Identifiers: ClinVar variation 1993521 (VCV001993521.4), dbSNP rs1251154173, ClinGen allele CA690319725.
Genomic context (GRCh38, chr12:57,749,455, plus strand): 5'-GGTTCAGCAGAAAGAGGACTCAGAATAGAAAATCTTTTTCTCCCATGTTGGTCACTTACT[CAA>C]AGATTTTGCCCAACTGGTCGGCTTCAGAGTTTCCACAGAAGAGAGGCCTAAGGTGAGAAG-3'